The following is an entry in ClinVar:

ClinVar aggregate classification (germline): Uncertain significance. Review status: criteria provided, multiple submitters, no conflicts (2 of 4 stars). 2 submissions from 2 submitters: Uncertain significance (2). Last evaluated 2025-05-19.

gnomAD v4.1: 2 of 1,595,352 alleles (0.00013%); highest among the groups gnomAD compares: South Asian, 0.0011%; no homozygotes.

Submissions (2):

GeneDx
Classification: Uncertain significance. Last evaluated: 2025-05-19. Review status: criteria provided, single submitter. Criteria: GeneDx Variant Classification Process June 2021. Collection method: clinical testing. Allele origin: germline. Affected: yes.
Comment: Not observed at significant frequency in large population cohorts (gnomAD); In silico analysis supports a deleterious effect on splicing; Has not been previously published as pathogenic or benign to our knowledge

Quest Diagnostics Nichols Institute San Juan Capistrano
Classification: Uncertain significance. Last evaluated: 2022-09-21. Review status: criteria provided, single submitter. Criteria: Quest Diagnostics criteria. Collection method: clinical testing. Allele origin: unknown.
Comment: This variant has not been reported in the published literature. It also has not been reported in large, multi-ethnic general populations. Analysis of this variant using software algorithms for the prediction of the effect of nucleotide changes on splicing yielded predictions that this variant may affect proper DICER1 mRNA splicing . Based on the available information, we are unable to determine the clinical significance of this variant.

NM_177438.3(DICER1):c.4207-8C>A

Gene: DICER1 (dicer 1, ribonuclease III; minus strand). Cytogenetic location: 14q32.13.
Variant type: single nucleotide variant.
Coding change: c.4207-8C>A on transcript NM_177438.3 (MANE Select); 8 bases into the intron before coding-DNA position 4207, C replaced by A.
Molecular consequence: intron variant.
Genome position (GRCh38, 1-based): chr14:95,096,721, G>T on the plus strand (C>A on the coding strand, the complement: DICER1 is on the minus strand). VCF-style: chr14-95096721-G-T. GRCh37 (hg19) VCF-style: chr14-95563058-G-T.
Other names: c.4207-8C>A (NM_001291628.2, NM_030621.4, NM_001395677.1 and 12 more transcripts); c.3802-8C>A (NM_001395690.1, NM_001395687.1, NM_001395689.1 and 2 more transcripts); c.3925-8C>A (NM_001395686.1); c.3640-8C>A (NM_001395691.1); c.2524-8C>A (NM_001395697.1).
Identifiers: ClinVar variation 2681881 (VCV002681881.2), dbSNP rs763694414, ClinGen allele CA2626318316.